The following is an entry in ClinVar:

NM_001041.4(SI):c.417T>G (p.Phe139Leu)

Gene: SI (sucrase-isomaltase; minus strand). Cytogenetic location: 3q26.1.
Variant type: single nucleotide variant.
Coding change: c.417T>G on transcript NM_001041.4 (MANE Select); coding-DNA position 417, T replaced by G.
Protein change: p.Phe139Leu; replaces phenylalanine 139 with leucine.
Molecular consequence: missense variant.
Genome position (GRCh38, 1-based): chr3:165,068,788, A>C on the plus strand (T>G on the coding strand, the complement: SI is on the minus strand). VCF-style: chr3-165068788-A-C. GRCh37 (hg19) VCF-style: chr3-164786576-A-C.
Other names: short protein forms F139L.
Identifiers: ClinVar variation 1464123 (VCV001464123.8), dbSNP rs758407768, ClinGen allele CA2691499.

ClinVar aggregate classification (germline): Uncertain significance. Review status: criteria provided, multiple submitters, no conflicts (2 of 4 stars). 2 submissions from 2 submitters: Uncertain significance (2). Last evaluated 2024-02-22.

Conditions:
Sucrase-isomaltase deficiency (CSID). Also called: SI DEFICIENCY; Deficiency of isomaltase; Congenital sucrose isomaltose malabsorption; Sucrose isomaltose enzyme deficiency. Identifiers: Orphanet 35122, MedGen C1283620, MONDO:0009114, OMIM 222900.

Allele frequency attached by ClinVar (database versions not stated): ExAC 0.00001; gnomAD exomes 0.00002 and 0.00010; TOPMed 0.00002; gnomAD 0.00003.
gnomAD v4.1: 141 of 1,613,742 alleles (0.0087%); highest among the groups gnomAD compares: Non-Finnish European, 0.012%; no homozygotes.

Submissions (2):

Fulgent Genetics
Classification: Uncertain significance for Sucrase-isomaltase deficiency. Last evaluated: 2024-02-22. Review status: criteria provided, single submitter. Criteria: ACMG Guidelines, 2015. Collection method: clinical testing. Allele origin: germline.

Labcorp Genetics (formerly Invitae), Labcorp
Classification: Uncertain significance. Last evaluated: 2022-06-13. Review status: criteria provided, single submitter. Criteria: Invitae Variant Classification Sherloc (09022015). Collection method: clinical testing. Allele origin: germline.
Comment: In summary, the available evidence is currently insufficient to determine the role of this variant in disease. Therefore, it has been classified as a Variant of Uncertain Significance. Advanced modeling of protein sequence and biophysical properties (such as structural, functional, and spatial information, amino acid conservation, physicochemical variation, residue mobility, and thermodynamic stability) performed at Invitae indicates that this missense variant is expected to disrupt SI protein function. This variant has not been reported in the literature in individuals affected with SI-related conditions. This variant is present in population databases (rs758407768, gnomAD 0.005%). This sequence change replaces phenylalanine, which is neutral and non-polar, with leucine, which is neutral and non-polar, at codon 139 of the SI protein (p.Phe139Leu).